The following is an entry in ClinVar:

NM_001447.3(FAT2):c.12844C>T (p.Arg4282Trp)

Genes: FAT2 (FAT atypical cadherin 2; minus strand), SLC36A1 (solute carrier family 36 member 1; plus strand). Cytogenetic location: 5q33.1.
Variant type: single nucleotide variant.
Coding change: c.12844C>T on transcript NM_001447.3 (MANE Select); coding-DNA position 12844, C replaced by T.
Protein change: p.Arg4282Trp; replaces arginine 4282 with tryptophan.
Molecular consequence: missense variant.
Genome position (GRCh38, 1-based): chr5:151,505,771, G>A on the plus strand (C>T on the coding strand, the complement: FAT2 is on the minus strand). VCF-style: chr5-151505771-G-A. GRCh37 (hg19) VCF-style: chr5-150885332-G-A.
Other names: short protein forms R4282W.
Identifiers: ClinVar variation 2710874 (VCV002710874.3), dbSNP rs758351608, ClinGen allele CA3519666.

ClinVar aggregate classification (germline): Uncertain significance (1 of 4 stars; one submission).

Allele frequency attached by ClinVar (database versions not stated): ExAC 0.00002; gnomAD 0.00005; gnomAD exomes 0.00006; TOPMed 0.00006.
gnomAD v4.1: 98 of 1,613,820 alleles (0.0061%); highest among the groups gnomAD compares: East Asian, 0.013%; no homozygotes.

Submission:

Labcorp Genetics (formerly Invitae), Labcorp
Classification: Uncertain significance. Last evaluated: 2023-02-05. Review status: criteria provided, single submitter. Criteria: Invitae Variant Classification Sherloc (09022015). Collection method: clinical testing. Allele origin: germline.
Comment: This sequence change replaces arginine, which is basic and polar, with tryptophan, which is neutral and slightly polar, at codon 4282 of the FAT2 protein (p.Arg4282Trp). This variant is present in population databases (rs758351608, gnomAD 0.009%). This variant has not been reported in the literature in individuals affected with FAT2-related conditions. Algorithms developed to predict the effect of missense changes on protein structure and function are either unavailable or do not agree on the potential impact of this missense change (SIFT: "Deleterious"; PolyPhen-2: "Benign"; Align-GVGD: "Class C0"). In summary, the available evidence is currently insufficient to determine the role of this variant in disease. Therefore, it has been classified as a Variant of Uncertain Significance.